The following is an entry in ClinVar:

NM_005188.4(CBL):c.1134C>A (p.Phe378Leu)

Gene: CBL (Cbl proto-oncogene; plus strand). Cytogenetic location: 11q23.3.
Variant type: single nucleotide variant.
Coding change: c.1134C>A on transcript NM_005188.4 (MANE Select); coding-DNA position 1134, C replaced by A.
Protein change: p.Phe378Leu; replaces phenylalanine 378 with leucine.
Molecular consequence: missense variant.
Genome position (GRCh38, 1-based): chr11:119,278,204, C>A. VCF-style: chr11-119278204-C-A. GRCh37 (hg19) VCF-style: chr11-119148914-C-A.
Other names: short protein forms F378L.
Identifiers: ClinVar variation 450636 (VCV000450636.5), dbSNP rs749897878, ClinGen allele CA382912441.

ClinVar aggregate classification (germline): Uncertain significance. Review status: criteria provided, multiple submitters, no conflicts (2 of 4 stars). 3 submissions from 3 submitters: Uncertain significance (3). Last evaluated 2026-01-18.

Conditions:
RASopathy. Also called: rasopathies; Noonan spectrum disorder. Identifiers: Orphanet 536391, MedGen C5555857, MONDO:0021060.

Submissions (3):

Labcorp Genetics (formerly Invitae), Labcorp
Classification: Uncertain significance for RASopathy. Last evaluated: 2026-01-18. Review status: criteria provided, single submitter. Criteria: Invitae Variant Classification Sherloc (09022015). Collection method: clinical testing. Allele origin: germline.
Comment: This sequence change replaces phenylalanine, which is neutral and non-polar, with leucine, which is neutral and non-polar, at codon 378 of the CBL protein (p.Phe378Leu). This variant is not present in population databases (gnomAD no frequency). This variant has not been reported in the literature in individuals affected with CBL-related conditions. ClinVar contains an entry for this variant (Variation ID: 450636). Invitae Evidence Modeling of protein sequence and biophysical properties (such as structural, functional, and spatial information, amino acid conservation, physicochemical variation, residue mobility, and thermodynamic stability) indicates that this missense variant is expected to disrupt CBL protein function with a positive predictive value of 95%. In summary, the available evidence is currently insufficient to determine the role of this variant in disease. Therefore, it has been classified as a Variant of Uncertain Significance.

ARUP Laboratories, Molecular Genetics and Genomics, ARUP Laboratories
Classification: Uncertain significance. Last evaluated: 2024-02-08. Review status: criteria provided, single submitter. Criteria: ARUP Molecular Germline Variant Investigation Process 2024. Collection method: clinical testing. Allele origin: germline.

GeneDx
Classification: Uncertain significance. Last evaluated: 2020-04-08. Review status: criteria provided, single submitter. Criteria: GeneDx Variant Classification Process June 2021. Collection method: clinical testing. Allele origin: germline. Affected: yes.
Comment: Not observed in large population cohorts (Lek et al., 2016); In silico analysis supports that this missense variant has a deleterious effect on protein structure/function